The following is an entry in ClinVar:

NM_000298.6(PKLR):c.1067T>G (p.Met356Arg)

Gene: PKLR (pyruvate kinase L/R; minus strand). Cytogenetic location: 1q22.
Variant type: single nucleotide variant.
Coding change: c.1067T>G on transcript NM_000298.6 (MANE Select); coding-DNA position 1067, T replaced by G.
Protein change: p.Met356Arg; replaces methionine 356 with arginine.
Molecular consequence: missense variant.
Genome position (GRCh38, 1-based): chr1:155,294,284, A>C on the plus strand (T>G on the coding strand, the complement: PKLR is on the minus strand). VCF-style: chr1-155294284-A-C. GRCh37 (hg19) VCF-style: chr1-155264075-A-C.
Other names: c.1067T>G, p.Met356Arg (LRG_1136t1); c.974T>G, p.Met325Arg (NM_181871.4); short protein forms M356R, M325R.
Identifiers: ClinVar variation 626259 (VCV000626259.4), dbSNP rs752423472, ClinGen allele CA342753373.

ClinVar aggregate classification (germline): Likely pathogenic (0 of 4 stars; one submission).

Conditions:
Pyruvate kinase deficiency of red cells (CNSHA2). Also called: PK DEFICIENCY; PYRUVATE KINASE DEFICIENCY OF ERYTHROCYTE; Pyruvate kinase deficiency, Amish type. Identifiers: Orphanet 766, MedGen C0340968, MONDO:0009950, OMIM 266200.

Submission:

UOSD Diagnostica Molecolare E Genomica, Irccs Policlinico Agostino Gemelli
Classification: Likely pathogenic for Pyruvate kinase deficiency of red cells. Review status: no assertion criteria provided. Collection method: clinical testing. Allele origin: paternal. Inheritance: Autosomal recessive inheritance. Affected: yes. Observed: 1 compound heterozygote.
Comment: The c.1067T>G variant causing the replacement of the apolar Methionin (M) to the basic polar Arginine (R) at aa position 356 (p.Met356Arg). Additionally, computational variant analysis (CVA) of the mutant enzyme demonstrated a deleterious effect associated to p.(Met356Arg) variant. The Met356 is buried in a hydrophobic environment provided by the residues Phe323, Ile314, Ala352 and Val335. When the interaction between Met356 and Ala352 is destroyed from replacement by Arg356 and a novel hydrogen bond involving the NH2 nitrogen atom of Arg356 and backbone oxygen atom of Ile314 is established, the network of residues, mainly van der Waals interactions, is partially abolished. These changes and the altered pattern of interactions that the p.(Met356Arg) replacement brings about, might affect the catalytic Glu315 orientation. In summary, the Met356Arg variant meets our criteria to be classified as likely pathogenic.